The following is an entry in ClinVar:

ClinVar aggregate classification (germline): Uncertain significance. Review status: criteria provided, multiple submitters, no conflicts (2 of 4 stars). 12 submissions from 8 submitters: Uncertain significance (11). 1 of the submissions does not count toward it. Last evaluated 2026-03-26.

Conditions:
Meckel-Gruber syndrome. Also called: Dysencephalia splachnocystica; DYSENCEPHALIA SPLANCHNOCYSTICA; GRUBER SYNDROME. Identifiers: Orphanet 564, MedGen C0265215, MONDO:0018921.
Nephronophthisis. Also called: Juvenile Nephronophthisis. Identifiers: Orphanet 655, MedGen C0687120, MONDO:0019005, HP:0000090.
Joubert syndrome. Also called: JOUBERT-BOLTSHAUSER SYNDROME; Familial aplasia of the vermis. Identifiers: Orphanet 475, MedGen C5979921, MONDO:0018772.
Retinal dystrophy. Also called: Inherited retinal dystrophy. Identifiers: Orphanet 71862, MedGen C0854723, MeSH D058499, MONDO:0019118, HP:0000556.
Inborn genetic diseases. Identifiers: MedGen C0950123, MeSH D030342.
Leber congenital amaurosis (LCA). Also called: Leber's amaurosis. Identifiers: Orphanet 65, MedGen C0339527, MeSH D057130, MONDO:0018998.
CEP290-related disorder. Also called: CEP290-related condition; CEP290-related disorders. Identifiers: MedGen CN239314.
Senior-Loken syndrome 6 (SLSN6). Identifiers: Orphanet 3156, MedGen C1857779, MONDO:0012433, OMIM 610189.
Joubert syndrome 5 (JBTS5). Identifiers: Orphanet 2318, MedGen C1857780, MONDO:0012432, OMIM 610188.
Leber congenital amaurosis 10 (LCA10). Identifiers: Orphanet 65, MedGen C1857821, MONDO:0012723, OMIM 611755.
Bardet-Biedl syndrome 14 (BBS14). Identifiers: Orphanet 110, MedGen C2673874, MONDO:0014442, OMIM 615991.
Meckel syndrome, type 4 (MKS4). Also called: MECKEL-GRUBER SYNDROME, TYPE 4. Identifiers: Orphanet 564, MedGen C1970161, MONDO:0012626, OMIM 611134.

Allele frequency attached by ClinVar (database versions not stated): gnomAD exomes 0.00002; TOPMed 0.00002; ExAC 0.00003; gnomAD 0.00004; 1000 Genomes Project 30x 0.00016; 1000 Genomes Project 0.00020.
gnomAD v4.1: 35 of 1,613,520 alleles (0.0022%); highest among the groups gnomAD compares: East Asian, 0.02%; no homozygotes.

Submissions (12):

PreventionGenetics, part of Exact Sciences
Classification: Uncertain significance for CEP290-related condition. Last evaluated: 2026-03-26. Review status: criteria provided, single submitter. Criteria: ACMG Guidelines, 2015. Collection method: clinical testing. Allele origin: germline.
Comment: The CEP290 c.4523G>A variant is predicted to result in the amino acid substitution p.Arg1508Gln. To our knowledge, this variant has not been reported in the literature. This variant is reported in 0.011% of alleles in individuals of East Asian descent in gnomAD. At this time, the clinical significance of this variant is uncertain due to the absence of conclusive functional and genetic evidence.

GeneDx
Classification: Uncertain significance. Last evaluated: 2025-01-09. Review status: criteria provided, single submitter. Criteria: GeneDx Variant Classification Process June 2021. Collection method: clinical testing. Allele origin: germline.
Comment: Not observed at significant frequency in large population cohorts (gnomAD); In silico analysis indicates that this missense variant does not alter protein structure/function; Has not been previously published as pathogenic or benign to our knowledge

Labcorp Genetics (formerly Invitae), Labcorp
Classification: Uncertain significance for Joubert syndrome; Meckel-Gruber syndrome; Nephronophthisis. Last evaluated: 2024-12-16. Review status: criteria provided, single submitter. Criteria: Invitae Variant Classification Sherloc (09022015). Collection method: clinical testing. Allele origin: germline.
Comment: This sequence change replaces arginine, which is basic and polar, with glutamine, which is neutral and polar, at codon 1508 of the CEP290 protein (p.Arg1508Gln). This variant is present in population databases (rs568197175, gnomAD 0.01%). This variant has not been reported in the literature in individuals affected with CEP290-related conditions. ClinVar contains an entry for this variant (Variation ID: 883013). Invitae Evidence Modeling of protein sequence and biophysical properties (such as structural, functional, and spatial information, amino acid conservation, physicochemical variation, residue mobility, and thermodynamic stability) indicates that this missense variant is not expected to disrupt CEP290 protein function with a negative predictive value of 80%. In summary, the available evidence is currently insufficient to determine the role of this variant in disease. Therefore, it has been classified as a Variant of Uncertain Significance.

Fulgent Genetics
Classification: Uncertain significance for Joubert syndrome 5; Senior-Loken syndrome 6; Meckel syndrome, type 4; Leber congenital amaurosis 10; Bardet-Biedl syndrome 14. Last evaluated: 2024-03-14. Review status: criteria provided, single submitter. Criteria: ACMG Guidelines, 2015. Collection method: clinical testing. Allele origin: germline.

Dept Of Ophthalmology, Nagoya University
Classification: Uncertain significance for Retinal dystrophy. Last evaluated: 2023-10-01. Review status: criteria provided, single submitter. Criteria: Submitter's publication. Collection method: research. Allele origin: germline. Affected: yes.

Ambry Genetics
Classification: Uncertain significance for Inborn genetic diseases. Last evaluated: 2022-09-26. Review status: criteria provided, single submitter. Criteria: Ambry Variant Classification Scheme 2023. Collection method: clinical testing. Allele origin: germline.

Illumina Laboratory Services, Illumina
Classification: Uncertain significance for Senior-Loken syndrome 6. Last evaluated: 2018-01-13. Review status: criteria provided, single submitter. Criteria: ICSL Variant Classification Criteria 13 December 2019. Collection method: clinical testing. Allele origin: germline.

Illumina Laboratory Services, Illumina
Classification: Uncertain significance for Meckel syndrome, type 4. Last evaluated: 2018-01-13. Review status: criteria provided, single submitter. Criteria: ICSL Variant Classification Criteria 13 December 2019. Collection method: clinical testing. Allele origin: germline.

Illumina Laboratory Services, Illumina
Classification: Uncertain significance for Bardet-Biedl syndrome 14. Last evaluated: 2018-01-13. Review status: criteria provided, single submitter. Criteria: ICSL Variant Classification Criteria 13 December 2019. Collection method: clinical testing. Allele origin: germline.

Illumina Laboratory Services, Illumina
Classification: Uncertain significance for Joubert syndrome 5. Last evaluated: 2018-01-13. Review status: criteria provided, single submitter. Criteria: ICSL Variant Classification Criteria 13 December 2019. Collection method: clinical testing. Allele origin: germline.

Illumina Laboratory Services, Illumina
Classification: Uncertain significance for Leber congenital amaurosis 10. Last evaluated: 2018-01-13. Review status: criteria provided, single submitter. Criteria: ICSL Variant Classification Criteria 13 December 2019. Collection method: clinical testing. Allele origin: germline.

Natera, Inc.
Classification: Uncertain significance for Leber congenital amaurosis. Last evaluated: 2020-03-31. Review status: no assertion criteria provided. Collection method: clinical testing. Allele origin: germline. Not counted in ClinVar's aggregate classification.

NM_025114.4(CEP290):c.4523G>A (p.Arg1508Gln)

Gene: CEP290 (centrosomal protein 290; minus strand). Cytogenetic location: 12q21.32.
Variant type: single nucleotide variant.
Coding change: c.4523G>A on transcript NM_025114.4 (MANE Select); coding-DNA position 4523, G replaced by A.
Protein change: p.Arg1508Gln; replaces arginine 1508 with glutamine.
Molecular consequence: missense variant.
Genome position (GRCh38, 1-based): chr12:88,084,767, C>T on the plus strand (G>A on the coding strand, the complement: CEP290 is on the minus strand). VCF-style: chr12-88084767-C-T. GRCh37 (hg19) VCF-style: chr12-88478544-C-T.
Other names: short protein forms R1508Q.
Identifiers: ClinVar variation 883013 (VCV000883013.16), dbSNP rs568197175, ClinGen allele CA6711921.